The following is an entry in ClinVar:

ClinVar aggregate classification (germline): Uncertain significance (1 of 4 stars; one submission).

Conditions:
Tumor predisposition syndrome 3 (TPDS3). Also called: Glioma susceptibility 9; LONG TELOMERE SYNDROME, POT1-RELATED; POT1 Tumor Predisposition; Melanoma, cutaneous malignant, susceptibility to, 10. Identifiers: Orphanet 618, MedGen C4014476, MONDO:0014368, OMIM 615848.

Submission:

Labcorp Genetics (formerly Invitae), Labcorp
Classification: Uncertain significance for Tumor predisposition syndrome 3. Last evaluated: 2024-11-05. Review status: criteria provided, single submitter. Criteria: Invitae Variant Classification Sherloc (09022015). Collection method: clinical testing. Allele origin: germline.
Comment: This sequence change replaces proline, which is neutral and non-polar, with leucine, which is neutral and non-polar, at codon 357 of the POT1 protein (p.Pro357Leu). This variant is not present in population databases (gnomAD no frequency). This variant has not been reported in the literature in individuals affected with POT1-related conditions. ClinVar contains an entry for this variant (Variation ID: 848205). Invitae Evidence Modeling of protein sequence and biophysical properties (such as structural, functional, and spatial information, amino acid conservation, physicochemical variation, residue mobility, and thermodynamic stability) indicates that this missense variant is not expected to disrupt POT1 protein function with a negative predictive value of 80%. In summary, the available evidence is currently insufficient to determine the role of this variant in disease. Therefore, it has been classified as a Variant of Uncertain Significance.

NM_015450.3(POT1):c.1070C>T (p.Pro357Leu)

Gene: POT1 (protection of telomeres 1; minus strand). Cytogenetic location: 7q31.33.
Variant type: single nucleotide variant.
Coding change: c.1070C>T on transcript NM_015450.3 (MANE Select); coding-DNA position 1070, C replaced by T.
Protein change: p.Pro357Leu; replaces proline 357 with leucine.
Molecular consequence: missense variant. On other transcripts: non-coding transcript variant (3).
Genome position (GRCh38, 1-based): chr7:124,842,900, G>A on the plus strand (C>T on the coding strand, the complement: POT1 is on the minus strand). VCF-style: chr7-124842900-G-A. GRCh37 (hg19) VCF-style: chr7-124482954-G-A.
Other names: c.677C>T, p.Pro226Leu (NM_001042594.2); short protein forms P357L, P226L.
Identifiers: ClinVar variation 848205 (VCV000848205.11), dbSNP rs1795064258, ClinGen allele CA369068440.
Genomic context (GRCh38, chr7:124,842,900, plus strand): 5'-GACTGAAATAGTCTTCTGGGCTTATATGACCTCAATTTTGCTCGGATGCGGTATTGTTGA[G>A]GAGCTTTTTGTTTCAAAATGGCACATAGTGGTGTCCTCTCCAAATACTGATGATCTGTAA-3'
Protein context (NP_056265.2, residues 347-367): PLCAILKQKA[Pro357Leu]QQYRIRAKLR